The following is an entry in ClinVar:

ClinVar aggregate classification (germline): Uncertain significance (1 of 4 stars; one submission).

gnomAD v4.1: 36 of 1,605,910 alleles (0.0022%); highest among the groups gnomAD compares: Non-Finnish European, 0.0006%; 1 homozygote.

Submission:

Labcorp Genetics (formerly Invitae), Labcorp
Classification: Uncertain significance. Last evaluated: 2022-06-13. Review status: criteria provided, single submitter. Criteria: Invitae Variant Classification Sherloc (09022015). Collection method: clinical testing. Allele origin: germline.
Comment: In summary, the available evidence is currently insufficient to determine the role of this variant in disease. Therefore, it has been classified as a Variant of Uncertain Significance. Algorithms developed to predict the effect of missense changes on protein structure and function are either unavailable or do not agree on the potential impact of this missense change (SIFT: "Deleterious"; PolyPhen-2: "Probably Damaging"; Align-GVGD: "Class C0"). This variant has not been reported in the literature in individuals affected with HSPG2-related conditions. This variant is present in population databases (rs758331060, gnomAD 0.03%), including at least one homozygous and/or hemizygous individual. This sequence change replaces proline, which is neutral and non-polar, with arginine, which is basic and polar, at codon 3778 of the HSPG2 protein (p.Pro3778Arg).

NM_005529.7(HSPG2):c.11333C>G (p.Pro3778Arg)

Gene: HSPG2 (heparan sulfate proteoglycan 2; minus strand). Cytogenetic location: 1p36.12.
Variant type: single nucleotide variant.
Coding change: c.11333C>G on transcript NM_005529.7 (MANE Select); coding-DNA position 11333, C replaced by G.
Protein change: p.Pro3778Arg; replaces proline 3778 with arginine.
Molecular consequence: missense variant.
Genome position (GRCh38, 1-based): chr1:21,831,671, G>C on the plus strand (C>G on the coding strand, the complement: HSPG2 is on the minus strand). VCF-style: chr1-21831671-G-C. GRCh37 (hg19) VCF-style: chr1-22158164-G-C.
Other names: c.11336C>G, p.Pro3779Arg (NM_001291860.2); short protein forms P3778R, P3779R.
Identifiers: ClinVar variation 1398027 (VCV001398027.8), dbSNP rs758331060, ClinGen allele CA669839.